The following is an entry in ClinVar:

ClinVar aggregate classification (germline): Uncertain significance. Review status: criteria provided, single submitter (1 of 4 stars). 2 submissions from 2 submitters: Uncertain significance (1). 1 of the submissions does not count toward it. Last evaluated 2021-11-18.

Conditions:
Primary ciliary dyskinesia. Also called: Ciliary dyskinesia. Identifiers: Orphanet 244, MedGen C0008780, MONDO:0016575, HP:0012265.

Allele frequency attached by ClinVar (database versions not stated): gnomAD exomes 0.00001; TOPMed below 0.00001; gnomAD 0.00001.
gnomAD v4.1: 9 of 1,614,020 alleles (0.00056%); highest among the groups gnomAD compares: Non-Finnish European, 0.00076%; no homozygotes.

Submissions (2):

Labcorp Genetics (formerly Invitae), Labcorp
Classification: Uncertain significance for Primary ciliary dyskinesia. Last evaluated: 2021-11-18. Review status: criteria provided, single submitter. Criteria: Invitae Variant Classification Sherloc (09022015). Collection method: clinical testing. Allele origin: germline.
Comment: This sequence change replaces alanine, which is neutral and non-polar, with valine, which is neutral and non-polar, at codon 1724 of the DNAH5 protein (p.Ala1724Val). The frequency data for this variant in the population databases is considered unreliable, as metrics indicate poor data quality at this position in the gnomAD database. This variant has not been reported in the literature in individuals affected with DNAH5-related conditions. ClinVar contains an entry for this variant (Variation ID: 957012). Advanced modeling of protein sequence and biophysical properties (such as structural, functional, and spatial information, amino acid conservation, physicochemical variation, residue mobility, and thermodynamic stability) performed at Invitae indicates that this missense variant is not expected to disrupt DNAH5 protein function. In summary, the available evidence is currently insufficient to determine the role of this variant in disease. Therefore, it has been classified as a Variant of Uncertain Significance.

Natera, Inc.
Classification: Uncertain significance for Primary ciliary dyskinesia. Last evaluated: 2020-02-26. Review status: no assertion criteria provided. Collection method: clinical testing. Allele origin: germline. Not counted in ClinVar's aggregate classification.

NM_001369.3(DNAH5):c.5171C>T (p.Ala1724Val)

Gene: DNAH5 (dynein axonemal heavy chain 5; minus strand). Cytogenetic location: 5p15.2.
Variant type: single nucleotide variant.
Coding change: c.5171C>T on transcript NM_001369.3 (MANE Select); coding-DNA position 5171, C replaced by T.
Protein change: p.Ala1724Val; replaces alanine 1724 with valine.
Molecular consequence: missense variant.
Genome position (GRCh38, 1-based): chr5:13,844,937, G>A on the plus strand (C>T on the coding strand, the complement: DNAH5 is on the minus strand). VCF-style: chr5-13844937-G-A. GRCh37 (hg19) VCF-style: chr5-13845046-G-A.
Other names: short protein forms A1724V.
Identifiers: ClinVar variation 957012 (VCV000957012.8), dbSNP rs1354561021, ClinGen allele CA359214236.